The following is an entry in ClinVar:

ClinVar aggregate classification (germline): Uncertain significance. Review status: criteria provided, multiple submitters, no conflicts (2 of 4 stars). 2 submissions from 2 submitters: Uncertain significance (2). Last evaluated 2022-09-30.

Conditions:
Pancreatic adenocarcinoma. Identifiers: MedGen C0281361, MONDO:0006047, HP:0006725.

Allele frequency attached by ClinVar (database versions not stated): gnomAD exomes below 0.00001; ExAC 0.00002.
gnomAD v4.1: 5 of 1,610,922 alleles (0.00031%); highest among the groups gnomAD compares: South Asian, 0.0044%; no homozygotes.

Submissions (2):

Labcorp Genetics (formerly Invitae), Labcorp
Classification: Uncertain significance for Pancreatic adenocarcinoma. Last evaluated: 2022-09-30. Review status: criteria provided, single submitter. Criteria: Invitae Variant Classification Sherloc (09022015). Collection method: clinical testing. Allele origin: germline.
Comment: In summary, the available evidence is currently insufficient to determine the role of this variant in disease. Therefore, it has been classified as a Variant of Uncertain Significance. Algorithms developed to predict the effect of missense changes on protein structure and function are either unavailable or do not agree on the potential impact of this missense change (SIFT: "Deleterious"; PolyPhen-2: "Benign"; Align-GVGD: "Class C25"). This variant has not been reported in the literature in individuals affected with PALLD-related conditions. This variant is present in population databases (rs754402562, gnomAD 0.01%). This sequence change replaces histidine, which is basic and polar, with arginine, which is basic and polar, at codon 480 of the PALLD protein (p.His480Arg).

Ambry Genetics
Classification: Uncertain significance. Last evaluated: 2022-09-08. Review status: criteria provided, single submitter. Criteria: Ambry Variant Classification Scheme 2023. Collection method: clinical testing. Allele origin: germline.
Comment: The p.H967R variant (also known as c.2900A>G), located in coding exon 16 of the PALLD gene, results from an A to G substitution at nucleotide position 2900. The histidine at codon 967 is replaced by arginine, an amino acid with highly similar properties. This amino acid position is conserved. In addition, this alteration is predicted to be deleterious by in silico analysis. Since supporting evidence is limited at this time, the clinical significance of this alteration remains unclear.

NM_001166108.2(PALLD):c.2951A>G (p.His984Arg)

Genes: CBR4 (carbonyl reductase 4; minus strand), PALLD (palladin, cytoskeletal associated protein; plus strand). Cytogenetic location: 4q32.3.
Variant type: single nucleotide variant.
Coding change: c.2951A>G on transcript NM_001166108.2 (MANE Select); coding-DNA position 2951, A replaced by G.
Protein change: p.His984Arg; replaces histidine 984 with arginine.
Molecular consequence: missense variant.
Genome position (GRCh38, 1-based): chr4:168,921,634, A>G. VCF-style: chr4-168921634-A-G. GRCh37 (hg19) VCF-style: chr4-169842785-A-G.
Other names: c.1754A>G, p.His585Arg (NM_001166109.2); c.1439A>G, p.His480Arg (NM_001166110.2); c.779A>G, p.His260Arg (NM_001367567.1, NM_001367569.1); c.830A>G, p.His277Arg (NM_001367568.1, NM_001367570.1); c.2900A>G, p.His967Arg (NM_016081.4); short protein forms H277R, H480R, H967R, H585R, H984R, H260R.
Identifiers: ClinVar variation 1797446 (VCV001797446.7), dbSNP rs754402562, ClinGen allele CA3135997.